The following is an entry in ClinVar:

ClinVar aggregate classification (germline): Uncertain significance (1 of 4 stars; one submission).

Conditions:
Hereditary cancer-predisposing syndrome. Also called: Tumor predisposition; Neoplastic Syndromes, Hereditary; Hereditary neoplastic syndrome; Hereditary Cancer Syndrome. Identifiers: Orphanet 140162, MedGen C0027672, MeSH D009386, MONDO:0015356.

Submission:

Ambry Genetics
Classification: Uncertain significance for Hereditary cancer-predisposing syndrome. Last evaluated: 2025-08-27. Review status: criteria provided, single submitter. Criteria: Ambry Variant Classification Scheme 2023. Collection method: clinical testing. Allele origin: germline.
Comment: The p.P327T variant (also known as c.979C>A), located in coding exon 11 of the MUTYH gene, results from a C to A substitution at nucleotide position 979. The proline at codon 327 is replaced by threonine, an amino acid with highly similar properties. This amino acid position is conserved. In addition, this alteration is predicted to be tolerated by in silico analysis. Based on the available evidence, the clinical significance of this variant remains unclear.

NM_001048174.2(MUTYH):c.895C>A (p.Pro299Thr)

Gene: MUTYH (mutY DNA glycosylase; minus strand). Cytogenetic location: 1p34.1.
Variant type: single nucleotide variant.
Coding change: c.895C>A on transcript NM_001048174.2 (MANE Select); coding-DNA position 895, C replaced by A.
Protein change: p.Pro299Thr; replaces proline 299 with threonine.
Molecular consequence: missense variant. On other transcripts: non-coding transcript variant (7).
Genome position (GRCh38, 1-based): chr1:45,332,041, G>T on the plus strand (C>A on the coding strand, the complement: MUTYH is on the minus strand). VCF-style: chr1-45332041-G-T. GRCh37 (hg19) VCF-style: chr1-45797713-G-T.
Other names: c.895C>A, p.Pro299Thr (NM_001048173.2, NM_001293195.2, NM_001407081.1 and 6 more transcripts); c.979C>A, p.Pro327Thr (NM_001128425.2); c.940C>A, p.Pro314Thr (NM_001293190.2); c.928C>A, p.Pro310Thr (NM_001293191.2, NM_001407069.1, NM_001407077.1); c.619C>A, p.Pro207Thr (NM_001293192.2, NM_001293196.2, NM_001407091.1); c.550C>A, p.Pro184Thr (NM_001350650.2, NM_001407082.1, NM_001350651.2); c.856C>A, p.Pro286Thr (NM_001407079.1); c.853C>A, p.Pro285Thr (NM_001407080.1); and 5 more; short protein forms P271T, P310T, P314T, P324T, P299T, P306T, P313T, P207T.
Identifiers: ClinVar variation 4112824 (VCV004112824.1).